The following is an entry in ClinVar:

ClinVar aggregate classification (germline): Benign/Likely benign. Review status: criteria provided, multiple submitters, no conflicts (2 of 4 stars). 6 submissions from 6 submitters: Benign (2); Likely benign (2). 2 of the submissions do not count toward it. Last evaluated 2024-03-01.

Conditions:
PKD1-related disorder. Also called: PKD1-related condition.
Polycystic kidney disease, adult type (PKD1). Also called: Polycystic Kidney Disease 1, Autosomal Dominant; Polycystic kidney disease 1; Polycystic kidney disease 1, severe; POLYCYSTIC KIDNEY DISEASE 1 WITH OR WITHOUT POLYCYSTIC LIVER DISEASE; POLYCYSTIC KIDNEY DISEASE, ADULT, TYPE I; Polycystic Kidney, Autosomal Dominant. Identifiers: MedGen C3149841, MONDO:0008263, OMIM 173900.
Polycystic kidney disease. Also called: Kidney, Polycystic; Polycystic kidney dysplasia. Identifiers: MedGen C0022680, MeSH D007690, MONDO:0020642, HP:0000113.

Allele frequency attached by ClinVar (database versions not stated): ExAC 0.00127; 1000 Genomes Project 0.00359; 1000 Genomes Project 30x 0.00390; TOPMed 0.00459; ESP Exome Variant Server 0.00470.
gnomAD v4.1: 1,183 of 1,612,432 alleles (0.073%); highest among the groups gnomAD compares: African/African-American, 1.5%; 11 homozygotes.

Submissions (6):

Blueprint Genetics
Classification: Likely benign. Last evaluated: 2024-03-01. Review status: criteria provided, single submitter. Criteria: ACMG Guidelines, 2015. Collection method: clinical testing. Allele origin: germline.

Fulgent Genetics
Classification: Likely benign for Polycystic kidney disease, adult type. Last evaluated: 2021-07-19. Review status: criteria provided, single submitter. Criteria: ACMG Guidelines, 2015. Collection method: clinical testing. Allele origin: unknown.

Athena Diagnostics
Classification: Benign. Last evaluated: 2020-10-26. Review status: criteria provided, single submitter. Criteria: Athena Diagnostics criteria. Collection method: clinical testing. Allele origin: unknown.

GeneDx
Classification: Benign. Last evaluated: 2020-02-13. Review status: criteria provided, single submitter. Criteria: GeneDx Variant Classification Process June 2021. Collection method: clinical testing. Allele origin: germline. Affected: yes.

PreventionGenetics, part of Exact Sciences
Classification: Benign for PKD1-related condition. Last evaluated: 2020-07-03. Review status: no assertion criteria provided. Collection method: clinical testing. Allele origin: germline. Not counted in ClinVar's aggregate classification.
Comment: This variant is classified as benign based on ACMG/AMP sequence variant interpretation guidelines (Richards et al. 2015 PMID: 25741868, with internal and published modifications).

Department of Pathology and Laboratory Medicine, Sinai Health System
Classification: Benign for Polycystic Kidney disease. Review status: no assertion criteria provided. Collection method: clinical testing. Allele origin: unknown. Affected: yes. Study: The Canadian Open Genetics Repository (COGR). Not counted in ClinVar's aggregate classification.
Comment: The PKD1 p.Leu1562Leu variant was not identified in the literature nor was it identified in the ClinVar, GeneInsight-COGR, or LOVD 3.0 databases. The variant was identified in dbSNP (ID: rs114489044) as â€šÃ„ÃºNAâ€šÃ„Ã¹, and ADPKD Mutation Database (as likely neutral). The variant was identified in control databases in 360 of 275674 chromosomes (4 homozygous) at a frequency of 0.001 increasing the likelihood this could be a low frequency benign variant (Genome Aggregation Database Feb 27, 2017). The variant was observed in the following populations: African in 342 (4 homozygous) of 23888 chromosomes (freq: 0.01), Other in 3 of 6430 chromosomes (freq: 0.0005), Latino in 15 of 34404 chromosomes (freq: 0.0004), while not observed in the European Non-Finnish, Ashkenazi Jewish, East Asian, European Finnish, and South Asian populations. In addition we cannot be certain that data from control databases is specific to PKD1 and not from one of the six PKD1 pseudogenes. The p.Leu1562= variant is not expected to have clinical significance because it does not result in a change of amino acid and is not located in a known consensus splice site. In addition, in silico or computational prediction software programs (SpliceSiteFinder, MaxEntScan, NNSPLICE, GeneSplicer) do not predict a difference in splicing. In summary, based on the above information this variant meets our laboratory criteria to be classified as benign.

NM_001009944.3(PKD1):c.4684C>T (p.Leu1562=)

Gene: PKD1 (polycystin 1, transient receptor potential channel interacting; minus strand). Cytogenetic location: 16p13.3.
Variant type: single nucleotide variant.
Coding change: c.4684C>T on transcript NM_001009944.3 (MANE Select); coding-DNA position 4684, C replaced by T.
Protein change: p.Leu1562=; no amino-acid change (leucine 1562 retained).
Molecular consequence: synonymous variant.
Genome position (GRCh38, 1-based): chr16:2,110,483, G>A on the plus strand (C>T on the coding strand, the complement: PKD1 is on the minus strand). VCF-style: chr16-2110483-G-A. GRCh37 (hg19) VCF-style: chr16-2160484-G-A.
Other names: c.4684C>T, p.Leu1562= (NM_000296.4); c.4684C>T (NM_000296.3).
Identifiers: ClinVar variation 997203 (VCV000997203.7), dbSNP rs114489044, ClinGen allele CA7832285.
Genomic context (GRCh38, chr16:2,110,483, plus strand): 5'-AGGAATAGCGCACATCACTGCCGGCCTCCAGCGACGTGCTGAAGCTCACGCTCCCATTCA[G>A]GGGCACCACCGTGCGGCTTGCATTGACGACGAGCCCCCGCACGCGCCGCTTCACCGTCAC-3'
Protein context (NP_001009944.3, residues 1552-1572): VVNASRTVVP[Leu1562=]NGSVSFSTSL